The following is an entry in ClinVar:

ClinVar aggregate classification (germline): Likely benign (1 of 4 stars; one submission).

Submission:

CeGaT Center for Human Genetics Tuebingen
Classification: Likely benign. Last evaluated: 2026-04-01. Review status: criteria provided, single submitter. Criteria: CeGaT Center For Human Genetics Tuebingen Variant Classification Criteria Version 2. Collection method: clinical testing. Allele origin: germline. Affected: yes. Observed: 2 variant alleles.
Comment: DEFA3: BP4, BP7

NM_005217.4(DEFA3):c.12C>T (p.Leu4=)

Gene: DEFA3 (defensin alpha 3; minus strand). Cytogenetic location: 8p23.1.
Variant type: single nucleotide variant.
Coding change: c.12C>T on transcript NM_005217.4 (MANE Select); coding-DNA position 12, C replaced by T.
Protein change: p.Leu4=; no amino-acid change (leucine 4 retained).
Molecular consequence: synonymous variant.
Genome position (GRCh38, 1-based): chr8:7,016,839, G>A on the plus strand (C>T on the coding strand, the complement: DEFA3 is on the minus strand). VCF-style: chr8-7016839-G-A. GRCh37 (hg19) VCF-style: chr8-6874361-G-A.
Identifiers: ClinVar variation 4281018 (VCV004281018.7).
Genomic context (GRCh38, chr8:7,016,839, plus strand): 5'-TGCCTGGAGTGGCTCAGCCTGGGCCTGCAGGGCCACCAGGAGAATGGCAGCAAGGATGGC[G>A]AGGGTCCTCATGGCTGGGGTCACCTGGAGGAGGGAGAGCAGGAGCAGCTGTGTGGGGAGG-3'
Protein context (NP_005208.1, residues 1-14): MRT[Leu4=]AILAAILLVA